The following is an entry in ClinVar:

NM_001457.4(FLNB):c.6859G>A (p.Ala2287Thr)

Gene: FLNB (filamin B; plus strand). Cytogenetic location: 3p14.3.
Variant type: single nucleotide variant.
Coding change: c.6859G>A on transcript NM_001457.4 (MANE Select); coding-DNA position 6859, G replaced by A.
Protein change: p.Ala2287Thr; replaces alanine 2287 with threonine.
Molecular consequence: missense variant.
Genome position (GRCh38, 1-based): chr3:58,156,046, G>A. VCF-style: chr3-58156046-G-A. GRCh37 (hg19) VCF-style: chr3-58141773-G-A.
Other names: c.6952G>A, p.Ala2318Thr (NM_001164317.2); c.6826G>A, p.Ala2276Thr (NM_001164318.2); c.6787G>A, p.Ala2263Thr (NM_001164319.2); short protein forms A2263T, A2276T, A2287T, A2318T.
Identifiers: ClinVar variation 3608232 (VCV003608232.2).

ClinVar aggregate classification (germline): Uncertain significance (1 of 4 stars; one submission).

gnomAD v4.1: 11 of 1,613,966 alleles (0.00068%); highest among the groups gnomAD compares: Admixed American, 0.0017%; no homozygotes.

Submission:

Labcorp Genetics (formerly Invitae), Labcorp
Classification: Uncertain significance. Last evaluated: 2024-02-27. Review status: criteria provided, single submitter. Criteria: Invitae Variant Classification Sherloc (09022015). Collection method: clinical testing. Allele origin: germline.
Comment: This sequence change replaces alanine, which is neutral and non-polar, with threonine, which is neutral and polar, at codon 2287 of the FLNB protein (p.Ala2287Thr). This variant is present in population databases (no rsID available, gnomAD 0.003%). This variant has not been reported in the literature in individuals affected with FLNB-related conditions. Advanced modeling of protein sequence and biophysical properties (such as structural, functional, and spatial information, amino acid conservation, physicochemical variation, residue mobility, and thermodynamic stability) performed at Invitae indicates that this missense variant is not expected to disrupt FLNB protein function with a negative predictive value of 95%. In summary, the available evidence is currently insufficient to determine the role of this variant in disease. Therefore, it has been classified as a Variant of Uncertain Significance.